The following is an entry in ClinVar:

NM_205836.3(FBXO38):c.1663G>A (p.Val555Met)

Gene: FBXO38 (F-box protein 38; plus strand). Cytogenetic location: 5q32.
Variant type: single nucleotide variant.
Coding change: c.1663G>A on transcript NM_205836.3 (MANE Select); coding-DNA position 1663, G replaced by A.
Protein change: p.Val555Met; replaces valine 555 with methionine.
Molecular consequence: missense variant.
Genome position (GRCh38, 1-based): chr5:148,424,042, G>A. VCF-style: chr5-148424042-G-A. GRCh37 (hg19) VCF-style: chr5-147803605-G-A.
Other names: c.1663G>A, p.Val555Met (NM_001271723.2, NM_030793.5); short protein forms V555M.
Identifiers: ClinVar variation 647597 (VCV000647597.10), dbSNP rs1012140873, ClinGen allele CA128948235.

ClinVar aggregate classification (germline): Uncertain significance (1 of 4 stars; one submission).

Conditions:
Distal hereditary motor neuropathy type 2. Identifiers: Orphanet 139525, MedGen C3711384, MeSH C580044, MONDO:0015352.

Allele frequency attached by ClinVar (database versions not stated): gnomAD exomes below 0.00001; TOPMed below 0.00001.

Submission:

Labcorp Genetics (formerly Invitae), Labcorp
Classification: Uncertain significance for Distal hereditary motor neuropathy type 2. Last evaluated: 2020-08-06. Review status: criteria provided, single submitter. Criteria: Invitae Variant Classification Sherloc (09022015). Collection method: clinical testing. Allele origin: germline.
Comment: This variant is not present in population databases (ExAC no frequency). In summary, the available evidence is currently insufficient to determine the role of this variant in disease. Therefore, it has been classified as a Variant of Uncertain Significance. Algorithms developed to predict the effect of missense changes on protein structure and function output the following: SIFT: "Deleterious"; PolyPhen-2: "Benign"; Align-GVGD: "Class C0". The methionine amino acid residue is found in multiple mammalian species, suggesting that this missense change does not adversely affect protein function. These predictions have not been confirmed by published functional studies and their clinical significance is uncertain. This variant has not been reported in the literature in individuals with FBXO38-related conditions. This sequence change replaces valine with methionine at codon 555 of the FBXO38 protein (p.Val555Met). The valine residue is highly conserved and there is a small physicochemical difference between valine and methionine.